The following is an entry in ClinVar:

NM_005560.6(LAMA5):c.9134G>A (p.Arg3045Gln)

Gene: LAMA5 (laminin subunit alpha 5; minus strand). Cytogenetic location: 20q13.33.
Variant type: single nucleotide variant.
Coding change: c.9134G>A on transcript NM_005560.6 (MANE Select); coding-DNA position 9134, G replaced by A.
Protein change: p.Arg3045Gln; replaces arginine 3045 with glutamine.
Molecular consequence: missense variant.
Genome position (GRCh38, 1-based): chr20:62,312,725, C>T on the plus strand (G>A on the coding strand, the complement: LAMA5 is on the minus strand). VCF-style: chr20-62312725-C-T. GRCh37 (hg19) VCF-style: chr20-60887781-C-T.
Other names: short protein forms R3045Q.
Identifiers: ClinVar variation 4096260 (VCV004096260.3).

ClinVar aggregate classification (germline): Uncertain significance. Review status: criteria provided, multiple submitters, no conflicts (2 of 4 stars). 2 submissions from 2 submitters: Uncertain significance (2). Last evaluated 2026-03-16.

Conditions:
Inborn genetic diseases. Identifiers: MedGen C0950123, MeSH D030342.

gnomAD v4.1: 10 of 1,596,528 alleles (0.00063%); highest among the groups gnomAD compares: East Asian, 0.0046%; no homozygotes.

Submissions (2):

Dasa
Classification: Uncertain significance. Last evaluated: 2026-03-16. Review status: criteria provided, single submitter. Criteria: DASA Assertion Criteria. Collection method: clinical testing. Allele origin: germline.
Comment: NM_005560.6(LAMA5):c.9134G>A (p.Arg3045Gln) is a missense variant that results in the substitution of arginine with glutamine. This variant is rare in population databases. Computational prediction algorithms are consistent with a benign effect. The currently available literature and clinical evidence are not sufficient to establish a definitive association between this variant and the reported condition. Therefore, this variant is classified as a variant of uncertain significance.

Ambry Genetics
Classification: Uncertain significance for Inborn genetic diseases. Last evaluated: 2025-08-24. Review status: criteria provided, single submitter. Criteria: Ambry Variant Classification Scheme 2023. Collection method: clinical testing. Allele origin: germline.